The following is an entry in ClinVar:

NM_014747.3(RIMS3):c.642C>A (p.Thr214=)

Genes: RIMS3 (regulating synaptic membrane exocytosis 3; minus strand), LOC126805714 (CDK7 strongly-dependent group 2 enhancer GRCh37_chr1:41093974-41095173; plus strand). Cytogenetic location: 1p34.2.
Variant type: single nucleotide variant.
Coding change: c.642C>A on transcript NM_014747.3 (MANE Select); coding-DNA position 642, C replaced by A.
Protein change: p.Thr214=; no amino-acid change (threonine 214 retained).
Molecular consequence: synonymous variant.
Genome position (GRCh38, 1-based): chr1:40,628,882, G>T on the plus strand (C>A on the coding strand, the complement: RIMS3 is on the minus strand). VCF-style: chr1-40628882-G-T. GRCh37 (hg19) VCF-style: chr1-41094554-G-T.
Identifiers: ClinVar variation 3033602 (VCV003033602.2), dbSNP rs7556079, ClinGen allele CA793760.

ClinVar aggregate classification (germline): Benign (0 of 4 stars; one submission).

Conditions:
RIMS3-related disorder. Also called: RIMS3-related condition.

Allele frequency attached by ClinVar (database versions not stated): ESP Exome Variant Server 0.00008; gnomAD exomes 0.00072; gnomAD 0.00079; 1000 Genomes Project 0.00180; 1000 Genomes Project 30x 0.00187; TOPMed 0.00198; ExAC 0.00241.
gnomAD v4.1: 1,151 of 1,614,016 alleles (0.071%); highest among the groups gnomAD compares: Admixed American, 1.6%; 12 homozygotes.

Submission:

PreventionGenetics, part of Exact Sciences
Classification: Benign for RIMS3-related condition. Last evaluated: 2019-06-17. Review status: no assertion criteria provided. Collection method: clinical testing. Allele origin: germline.
Comment: This variant is classified as benign based on ACMG/AMP sequence variant interpretation guidelines (Richards et al. 2015 PMID: 25741868, with internal and published modifications).